The following is an entry in ClinVar:

NM_001693.4(ATP6V1B2):c.35G>A (p.Gly12Glu)

Gene: ATP6V1B2 (ATPase H+ transporting V1 subunit B2; plus strand). Cytogenetic location: 8p21.3.
Variant type: single nucleotide variant.
Coding change: c.35G>A on transcript NM_001693.4 (MANE Select); coding-DNA position 35, G replaced by A.
Protein change: p.Gly12Glu; replaces glycine 12 with glutamic acid.
Molecular consequence: missense variant.
Genome position (GRCh38, 1-based): chr8:20,197,441, G>A. VCF-style: chr8-20197441-G-A. GRCh37 (hg19) VCF-style: chr8-20054952-G-A.
Other names: short protein forms G12E.
Identifiers: ClinVar variation 2636856 (VCV002636856.1), dbSNP rs1361764503, ClinGen allele CA370470664.
Genomic context (GRCh38, chr8:20,197,441, plus strand): 5'-GGGCCAGTCGGGACAGAGGAGACAAGATGGCGCTGCGGGCGATGCGGGGGATTGTCAACG[G>A]GGCCGCACCCGAGCTACCCGTGCCCACCGGTGGGCCGGCGGTGGGAGCTCGGGAGCAGGC-3'
Protein context (NP_001684.2, residues 2-22): ALRAMRGIVN[Gly12Glu]AAPELPVPTG

ClinVar aggregate classification (germline): Uncertain significance (1 of 4 stars; one submission).

Conditions:
ATP6V1B2-related disorder. Also called: ATP6V1B2-related condition.

Allele frequency attached by ClinVar (database versions not stated): gnomAD 0.00001; TOPMed 0.00002.
gnomAD v4.1: 3 of 1,545,298 alleles (0.00019%); highest among the groups gnomAD compares: African/African-American, 0.0014%; no homozygotes.

Submission:

PreventionGenetics, part of Exact Sciences
Classification: Uncertain significance for ATP6V1B2-related condition. Last evaluated: 2023-05-27. Review status: criteria provided, single submitter. Criteria: ACMG Guidelines, 2015. Collection method: clinical testing. Allele origin: germline.
Comment: The ATP6V1B2 c.35G>A variant is predicted to result in the amino acid substitution p.Gly12Glu. To our knowledge, this variant has not been reported in the literature or in a large population database, indicating this variant is rare. At this time, the clinical significance of this variant is uncertain due to the absence of conclusive functional and genetic evidence.